The following is an entry in ClinVar:

NM_170707.4(LMNA):c.695G>A (p.Gly232Glu)

Gene: LMNA (lamin A/C; plus strand). Cytogenetic location: 1q22.
Variant type: single nucleotide variant.
Coding change: c.695G>A on transcript NM_170707.4 (MANE Select); coding-DNA position 695, G replaced by A.
Protein change: p.Gly232Glu; replaces glycine 232 with glutamic acid.
Molecular consequence: missense variant.
Genome position (GRCh38, 1-based): chr1:156,134,860, G>A. VCF-style: chr1-156134860-G-A. GRCh37 (hg19) VCF-style: chr1-156104651-G-A.
Other names: c.359G>A, p.Gly120Glu (NM_001257374.3); c.452G>A, p.Gly151Glu (NM_001282624.2); c.695G>A, p.Gly232Glu (NM_001282625.2, NM_001282626.2, NM_005572.4 and 1 more transcripts); short protein forms G232E, G151E, G120E.
Identifiers: ClinVar variation 66925 (VCV000066925.12), dbSNP rs57207746, ClinGen allele CA018472.

ClinVar aggregate classification (germline): Pathogenic/Likely pathogenic. Review status: criteria provided, multiple submitters, no conflicts (2 of 4 stars). 4 submissions from 4 submitters: Pathogenic (1); Likely pathogenic (2). 1 of the submissions does not count toward it. Last evaluated 2020-04-30.

Conditions:
Emery-Dreifuss muscular dystrophy 2, autosomal dominant (EDMD2). Also called: HAUPTMANN-THANNHAUSER MUSCULAR DYSTROPHY; MUSCULAR DYSTROPHY WITH EARLY CONTRACTURES AND CARDIOMYOPATHY, AUTOSOMAL DOMINANT; SCAPULOILIOPERONEAL ATROPHY WITH CARDIOPATHY; Limb-girdle muscular dystrophy, type 1B; Muscular dystrophy, proximal, type 1B; Benign scapuloperoneal muscular dystrophy with cardiomyopathy. Identifiers: Orphanet 261, Orphanet 264, MedGen C0410190, MONDO:0021569, OMIM 181350.
Charcot-Marie-Tooth disease type 2. Also called: Charcot-Marie-Tooth type 2. Identifiers: Orphanet 64746, MedGen C0270914, MONDO:0018993.
LMNA-related disorder. Also called: LMNA-related condition; LMNA-related disease; LMNA-related disorders. Identifiers: MedGen CN380145.

Submissions (4):

Blueprint Genetics
Classification: Likely pathogenic for LMNA-related disorders. Last evaluated: 2020-04-30. Review status: criteria provided, single submitter. Criteria: ACMG Guidelines, 2015. Collection method: clinical testing. Allele origin: germline. Affected: yes. Observed: 1 variant allele.

Labcorp Genetics (formerly Invitae), Labcorp
Classification: Pathogenic for Charcot-Marie-Tooth disease type 2. Last evaluated: 2019-12-25. Review status: criteria provided, single submitter. Criteria: Invitae Variant Classification Sherloc (09022015). Collection method: clinical testing. Allele origin: germline.
Comment: This variant disrupts the p.Gly232 amino acid residue in LMNA. Other variant(s) that disrupt this residue have been observed in individuals with LMNA-related conditions (PMID: 18564364, 24349489), which suggests that this may be a clinically significant amino acid residue. For these reasons, this variant has been classified as Pathogenic. This variant has been reported to affect LMNA protein function (PMID: 25982065, 23077635, 16772334, 29676528, 29753763). This variant has been observed in individual(s) with childhood-onset muscular dystrophy (PMID: 29893365, 10939567). In at least one individual the variant was observed to be de novo. ClinVar contains an entry for this variant (Variation ID: 66925). This variant is not present in population databases (ExAC no frequency). This sequence change replaces glycine with glutamic acid at codon 232 of the LMNA protein (p.Gly232Glu). The glycine residue is highly conserved and there is a moderate physicochemical difference between glycine and glutamic acid.

Athena Diagnostics
Classification: Likely pathogenic for Benign scapuloperoneal muscular dystrophy with cardiomyopathy. Last evaluated: 2015-06-19. Review status: criteria provided, single submitter. Criteria: Athena Diagnostics Criteria. Collection method: clinical testing. Allele origin: germline. Inheritance: Autosomal dominant inheritance.

Epithelial Biology;  Institute of Medical Biology, Singapore
No classification provided. Review status: no classification provided. Collection method: not provided. Allele origin: not provided. Not counted in ClinVar's aggregate classification.

Literature cited by the submitters: PubMed 18564364 (cited by Labcorp Genetics (formerly Invitae), Labcorp); PubMed 24349489 (cited by Labcorp Genetics (formerly Invitae), Labcorp); PubMed 25982065 (cited by Labcorp Genetics (formerly Invitae), Labcorp); PubMed 23077635 (cited by Labcorp Genetics (formerly Invitae), Labcorp); PubMed 16772334 (cited by Labcorp Genetics (formerly Invitae), Labcorp and Athena Diagnostics); PubMed 29676528 (cited by Labcorp Genetics (formerly Invitae), Labcorp); PubMed 29753763 (cited by Labcorp Genetics (formerly Invitae), Labcorp); PubMed 29893365 (cited by Labcorp Genetics (formerly Invitae), Labcorp); PubMed 10939567 (cited by Labcorp Genetics (formerly Invitae), Labcorp and Athena Diagnostics); PubMed 20498703 (cited by Athena Diagnostics).